The following is an entry in ClinVar:

NM_032043.3(BRIP1):c.380-18_380-17dup

Gene: BRIP1 (BRCA1 interacting DNA helicase 1; minus strand). Cytogenetic location: 17q23.2.
Variant type: Duplication.
Coding change: c.380-18_380-17dup on transcript NM_032043.3 (MANE Select); 18 bases into the intron before coding-DNA position 380 through 17 bases into the intron before coding-DNA position 380, 2 bases duplicated (TT; older notation c.380-18_380-17dupTT).
Molecular consequence: intron variant.
Genome position (GRCh38, 1-based): chr17:61,849,273-61,849,274, AA duplicated on the plus strand (TT on the coding strand, the reverse complement: BRIP1 is on the minus strand); duplicating any 2 consecutive bases within chr17:61,849,273-61,849,280 gives the same sequence; the c. name uses the placement nearest the transcript's 3' end. VCF-style (leftmost placement, unchanged base first): chr17-61849272-T-TAA. GRCh37 (hg19) VCF-style: chr17-59926633-T-TAA.
Identifiers: ClinVar variation 3378763 (VCV003378763.1).

ClinVar aggregate classification (germline): Benign (1 of 4 stars; one submission).

Conditions:
Familial cancer of breast. Also called: hereditary breast carcinoma; Hereditary breast cancer; BREAST CANCER, FAMILIAL. Identifiers: Orphanet 227535, MedGen C0346153, MONDO:0016419, OMIM 114480. Disease mechanism: loss of function.

Submission:

Myriad Genetics, Inc.
Classification: Benign for Familial cancer of breast. Last evaluated: 2024-08-21. Review status: criteria provided, single submitter. Criteria: Myriad Autosomal Dominant, Autosomal Recessive and X-Linked Classification Criteria (2023). Collection method: clinical testing. Allele origin: unknown.
Comment: This variant is considered benign. This variant is intronic and is not expected to impact mRNA splicing.